The following is an entry in ClinVar:

NM_000186.4(CFH):c.2748C>T (p.Tyr916=)

Gene: CFH (complement factor H; plus strand). Cytogenetic location: 1q31.3.
Variant type: single nucleotide variant.
Coding change: c.2748C>T on transcript NM_000186.4 (MANE Select); coding-DNA position 2748, C replaced by T.
Protein change: p.Tyr916=; no amino-acid change (tyrosine 916 retained).
Molecular consequence: synonymous variant.
Genome position (GRCh38, 1-based): chr1:196,737,626, C>T. VCF-style: chr1-196737626-C-T. GRCh37 (hg19) VCF-style: chr1-196706756-C-T.
Identifiers: ClinVar variation 2833740 (VCV002833740.4), dbSNP rs1652607718, ClinGen allele CA422665736.

ClinVar aggregate classification (germline): Likely benign. Review status: criteria provided, multiple submitters, no conflicts (2 of 4 stars). 2 submissions from 2 submitters: Likely benign (2). Last evaluated 2024-09-17.

Allele frequency attached by ClinVar (database versions not stated): gnomAD exomes below 0.00001; TOPMed below 0.00001.
gnomAD v4.1: 1 of 1,613,384 alleles (0.000062%); highest among the groups gnomAD compares: Non-Finnish European, 0.000085%; no homozygotes.

Submissions (2):

Women's Health and Genetics/Laboratory Corporation of America, LabCorp
Classification: Likely benign. Last evaluated: 2024-09-17. Review status: criteria provided, single submitter. Criteria: LabCorp Variant Classification Summary - May 2015. Collection method: clinical testing. Allele origin: germline.
Comment: Variant summary: CFH c.2748C>T alters a non-conserved nucleotide resulting in a synonymous change. Consensus agreement among computation tools predict no significant impact on normal splicing. However, these predictions have yet to be confirmed by functional studies. The variant was absent in 251060 control chromosomes. The available data on variant occurrences in the general population are insufficient to allow any conclusion about variant significance. To our knowledge, no occurrence of c.2748C>T in individuals affected with CFH-Related Disorders and no experimental evidence demonstrating its impact on protein function have been reported. ClinVar contains an entry for this variant (Variation ID: 2833740). Based on the evidence outlined above, the variant was classified as likely benign.

Labcorp Genetics (formerly Invitae), Labcorp
Classification: Likely benign. Last evaluated: 2023-02-01. Review status: criteria provided, single submitter. Criteria: Invitae Variant Classification Sherloc (09022015). Collection method: clinical testing. Allele origin: germline.